The following is an entry in ClinVar:

NM_000548.5(TSC2):c.322dup (p.Ile108fs)

Gene: TSC2 (TSC complex subunit 2; plus strand). Cytogenetic location: 16p13.3.
Variant type: Duplication.
Coding change: c.322dup on transcript NM_000548.5 (MANE Select); coding-DNA position 322, one base duplicated (A; older notation c.322dupA).
Protein change: p.Ile108fs; shifts the reading frame from isoleucine 108.
Molecular consequence: frameshift variant. On other transcripts: intron variant (2).
Genome position (GRCh38, 1-based): chr16:2,053,438, A duplicated. VCF-style (leftmost placement, unchanged base first): chr16-2053437-C-CA. GRCh37 (hg19) VCF-style: chr16-2103438-C-CA.
Other names: c.322dup, p.Ile108fs (NM_001077183.3, NM_001114382.3, NM_001363528.2 and 3 more transcripts); c.175dup, p.Ile59fs (NM_001318829.2); c.355dup, p.Ile119fs (NM_001318832.2); c.226-858dup (NM_001318827.2); c.-1-2758dup (NM_001318831.2); short protein forms I59fs, I119fs, I108fs.
Identifiers: ClinVar variation 856308 (VCV000856308.8), dbSNP rs2085375504, ClinGen allele CA916081763.

ClinVar aggregate classification (germline): Pathogenic (1 of 4 stars; one submission).

Conditions:
Tuberous sclerosis 2 (TSC2). Identifiers: Orphanet 805, MedGen C1860707, MONDO:0013199, OMIM 613254.

Submission:

Labcorp Genetics (formerly Invitae), Labcorp
Classification: Pathogenic for Tuberous sclerosis 2. Last evaluated: 2019-03-12. Review status: criteria provided, single submitter. Criteria: Invitae Variant Classification Sherloc (09022015). Collection method: clinical testing. Allele origin: germline.
Comment: Loss-of-function variants in TSC2 are known to be pathogenic (PMID: 10205261, 17304050). For these reasons, this variant has been classified as Pathogenic. This variant has not been reported in the literature in individuals with TSC2-related conditions. This variant is not present in population databases (ExAC no frequency). This sequence change creates a premature translational stop signal (p.Ile108Asnfs*18) in the TSC2 gene. It is expected to result in an absent or disrupted protein product.

Literature cited by the submitters: PubMed 10205261; PubMed 17304050.